The following is an entry in ClinVar:

NM_005247.4(FGF3):c.71G>A (p.Arg24Gln)

Genes: FGF3 (fibroblast growth factor 3; minus strand), LOC109115964 (FGF3 5' regulatory region; plus strand). Cytogenetic location: 11q13.3.
Variant type: single nucleotide variant.
Coding change: c.71G>A on transcript NM_005247.4 (MANE Select); coding-DNA position 71, G replaced by A.
Protein change: p.Arg24Gln; replaces arginine 24 with glutamine.
Molecular consequence: missense variant.
Genome position (GRCh38, 1-based): chr11:69,818,863, C>T on the plus strand (G>A on the coding strand, the complement: FGF3 is on the minus strand). VCF-style: chr11-69818863-C-T. GRCh37 (hg19) VCF-style: chr11-69633631-C-T.
Other names: short protein forms R24Q.
Identifiers: ClinVar variation 1700330 (VCV001700330.3), dbSNP rs1554981422, ClinGen allele CA381664639.

ClinVar aggregate classification (germline): Uncertain significance (1 of 4 stars; one submission).

Allele frequency attached by ClinVar (database versions not stated): TOPMed below 0.00001; gnomAD exomes 0.00003.
gnomAD v4.1: 2 of 1,465,984 alleles (0.00014%); highest among the groups gnomAD compares: Non-Finnish European, 0.00018%; no homozygotes.

Submission:

GeneDx
Classification: Uncertain significance. Last evaluated: 2026-09-09. Review status: criteria provided, single submitter. Criteria: GeneDx Variant Classification Process June 2021. Collection method: clinical testing. Allele origin: germline.
Comment: In silico analysis suggests that this missense variant does not alter protein structure/function; Has not been previously published as pathogenic or benign to our knowledge